The following is an entry in ClinVar:

ClinVar aggregate classification (germline): Uncertain significance. Review status: criteria provided, multiple submitters, no conflicts (2 of 4 stars). 3 submissions from 3 submitters: Uncertain significance (3). Last evaluated 2026-03-02.

Conditions:
Hereditary cancer-predisposing syndrome. Also called: Tumor predisposition; Neoplastic Syndromes, Hereditary; Hereditary Cancer Syndrome; Hereditary neoplastic syndrome. Identifiers: Orphanet 140162, MedGen C0027672, MeSH D009386, MONDO:0015356.
Cardiovascular phenotype. Identifiers: MedGen CN230736.
LZTR1-related disorder. Also called: LZTR1-related disorders; LZTR1-related condition.

Submissions (3):

PreventionGenetics, part of Exact Sciences
Classification: Uncertain significance for LZTR1-related condition. Last evaluated: 2026-03-02. Review status: criteria provided, single submitter. Criteria: ACMG Guidelines, 2015. Collection method: clinical testing. Allele origin: germline.
Comment: The LZTR1 c.2477C>T variant is predicted to result in the amino acid substitution p.Ser826Phe. To our knowledge, this variant has not been reported in the literature or in a large population database (gnomAD), indicating this variant is rare. At this time, the clinical significance of this variant is uncertain due to the absence of conclusive functional and genetic evidence.

Labcorp Genetics (formerly Invitae), Labcorp
Classification: Uncertain significance. Last evaluated: 2026-01-30. Review status: criteria provided, single submitter. Criteria: Invitae Variant Classification Sherloc (09022015). Collection method: clinical testing. Allele origin: germline.
Comment: This sequence change replaces serine, which is neutral and polar, with phenylalanine, which is neutral and non-polar, at codon 826 of the LZTR1 protein (p.Ser826Phe). This variant is not present in population databases (gnomAD no frequency). This variant has not been reported in the literature in individuals affected with LZTR1-related conditions. ClinVar contains an entry for this variant (Variation ID: 3238256). Invitae Evidence Modeling of protein sequence and biophysical properties (such as structural, functional, and spatial information, amino acid conservation, physicochemical variation, residue mobility, and thermodynamic stability) indicates that this missense variant is not expected to disrupt LZTR1 protein function with a negative predictive value of 80%. In summary, the available evidence is currently insufficient to determine the role of this variant in disease. Therefore, it has been classified as a Variant of Uncertain Significance.

Ambry Genetics
Classification: Uncertain significance for Cardiovascular phenotype; Hereditary cancer-predisposing syndrome. Last evaluated: 2023-11-06. Review status: criteria provided, single submitter. Criteria: Ambry Variant Classification Scheme 2023. Collection method: clinical testing. Allele origin: germline.
Comment: The p.S826F variant (also known as c.2477C>T), located in coding exon 21 of the LZTR1 gene, results from a C to T substitution at nucleotide position 2477. The serine at codon 826 is replaced by phenylalanine, an amino acid with highly dissimilar properties. This amino acid position is conserved. In addition, this alteration is predicted to be tolerated by in silico analysis. Since supporting evidence is limited at this time, the clinical significance of this alteration remains unclear.

NM_006767.4(LZTR1):c.2477C>T (p.Ser826Phe)

Gene: LZTR1 (leucine zipper like post translational regulator 1; plus strand). Cytogenetic location: 22q11.21.
Variant type: single nucleotide variant.
Coding change: c.2477C>T on transcript NM_006767.4 (MANE Select); coding-DNA position 2477, C replaced by T.
Protein change: p.Ser826Phe; replaces serine 826 with phenylalanine.
Molecular consequence: missense variant.
Genome position (GRCh38, 1-based): chr22:20,997,302, C>T. VCF-style: chr22-20997302-C-T. GRCh37 (hg19) VCF-style: chr22-21351591-C-T.
Other names: short protein forms S826F.
Identifiers: ClinVar variation 3238256 (VCV003238256.4), dbSNP rs2518626824.